The following is an entry in ClinVar:

ClinVar aggregate classification (germline): Uncertain significance. Review status: criteria provided, multiple submitters, no conflicts (2 of 4 stars). 2 submissions from 2 submitters: Uncertain significance (2). Last evaluated 2025-12-02.

Allele frequency attached by ClinVar (database versions not stated): TOPMed below 0.00001; ExAC 0.00001; gnomAD exomes 0.00001.
gnomAD v4.1: 5 of 1,613,260 alleles (0.00031%); highest among the groups gnomAD compares: Admixed American, 0.0067%; no homozygotes.

Submissions (2):

Ambry Genetics
Classification: Uncertain significance. Last evaluated: 2025-12-02. Review status: criteria provided, single submitter. Criteria: Ambry Variant Classification Scheme 2023. Collection method: clinical testing. Allele origin: germline.

Labcorp Genetics (formerly Invitae), Labcorp
Classification: Uncertain significance. Last evaluated: 2025-11-03. Review status: criteria provided, single submitter. Criteria: Invitae Variant Classification Sherloc (09022015). Collection method: clinical testing. Allele origin: germline.
Comment: This sequence change replaces serine, which is neutral and polar, with proline, which is neutral and non-polar, at codon 664 of the MICAL1 protein (p.Ser664Pro). This variant is present in population databases (rs750881194, gnomAD 0.009%). This variant has not been reported in the literature in individuals affected with MICAL1-related conditions. ClinVar contains an entry for this variant (Variation ID: 1362355). An algorithm developed to predict the effect of missense changes on protein structure and function (PolyPhen-2) suggests that this variant is likely to be tolerated. In summary, the available evidence is currently insufficient to determine the role of this variant in disease. Therefore, it has been classified as a Variant of Uncertain Significance.

NM_022765.4(MICAL1):c.1933T>C (p.Ser645Pro)

Gene: MICAL1 (microtubule associated monooxygenase, calponin and LIM domain containing 1; minus strand). Cytogenetic location: 6q21.
Variant type: single nucleotide variant.
Coding change: c.1933T>C on transcript NM_022765.4 (MANE Select); coding-DNA position 1933, T replaced by C.
Protein change: p.Ser645Pro; replaces serine 645 with proline.
Molecular consequence: missense variant.
Genome position (GRCh38, 1-based): chr6:109,447,886, A>G on the plus strand (T>C on the coding strand, the complement: MICAL1 is on the minus strand). VCF-style: chr6-109447886-A-G. GRCh37 (hg19) VCF-style: chr6-109769089-A-G.
Other names: c.1675T>C, p.Ser559Pro (NM_001159291.2); c.1990T>C, p.Ser664Pro (NM_001286613.2); c.1933T>C (NM_022765.3); short protein forms S645P, S559P, S664P.
Identifiers: ClinVar variation 1362355 (VCV001362355.7), dbSNP rs750881194, ClinGen allele CA3953167.
Genomic context (GRCh38, chr6:109,447,886, plus strand): 5'-CCCTGCCCACTCCTCCCTGCTCAGCTCCAGCCCTGCCTAAACTCTCCACCTTGGCCCGGG[A>G]TCGCTGCAGGGTCCTCTGAAGTTTACTAAGGAATAATACAGCACTGGAGGTCCCTGGGGA-3'
Protein context (NP_073602.3, residues 635-655): LSKLQRTLQR[Ser645Pro]RAKENAEDAG